The following is an entry in ClinVar:

NM_000051.4(ATM):c.8370A>C (p.Arg2790Ser)

Genes: ATM (ATM serine/threonine kinase; plus strand), C11orf65 (chromosome 11 open reading frame 65; minus strand). Cytogenetic location: 11q22.3.
Variant type: single nucleotide variant.
Coding change: c.8370A>C on transcript NM_000051.4 (MANE Select); coding-DNA position 8370, A replaced by C.
Protein change: p.Arg2790Ser; replaces arginine 2790 with serine.
Molecular consequence: missense variant. On other transcripts: intron variant (2).
Genome position (GRCh38, 1-based): chr11:108,343,323, A>C. VCF-style: chr11-108343323-A-C. GRCh37 (hg19) VCF-style: chr11-108214050-A-C.
Other names: c.8370A>C, p.Arg2790Ser (NM_001351834.2); c.641-34252T>G (NM_001330368.2); c.695-8031T>G (NM_001351110.2); short protein forms R2790S.
Identifiers: ClinVar variation 822356 (VCV000822356.16), dbSNP rs1010206130, ClinGen allele CA228364901.
Genomic context (GRCh38, chr11:108,343,323, plus strand): 5'-CACAGGAACTGTCCCCATTGGTGAATTTCTTGTTAACAATGAAGATGGTGCTCATAAAAG[A>C]TACAGGCCAAATGATTTCAGTGCCTTTCAGTGCCAAAAGAAAATGATGGTGAGTGACACC-3'
Protein context (NP_000042.3, residues 2780-2800): LVNNEDGAHK[Arg2790Ser]YRPNDFSAFQ

ClinVar aggregate classification (germline): Uncertain significance. Review status: criteria provided, multiple submitters, no conflicts (2 of 4 stars). 4 submissions from 4 submitters: Uncertain significance (4). Last evaluated 2025-07-19.

Conditions:
Hereditary cancer-predisposing syndrome. Also called: Tumor predisposition; Neoplastic Syndromes, Hereditary; Hereditary Cancer Syndrome; Hereditary neoplastic syndrome. Identifiers: Orphanet 140162, MedGen C0027672, MeSH D009386, MONDO:0015356.
Ataxia-telangiectasia syndrome (AT). Also called: ATAXIA-TELANGIECTASIA, COMPLEMENTATION GROUP A; ATAXIA-TELANGIECTASIA, FRESNO VARIANT; Ataxia-telangiectasia; Ataxia-telangiectasia, complementation group D; AT, COMPLEMENTATION GROUP C; Ataxia-telangiectasia, complementation group E. Identifiers: Orphanet 100, MedGen C0004135, MONDO:0008840, OMIM 208900.

Allele frequency attached by ClinVar (database versions not stated): TOPMed below 0.00001; gnomAD 0.00001.
gnomAD v4.1: 1 of 1,613,964 alleles (0.000062%); highest among the groups gnomAD compares: African/African-American, 0.0013%; no homozygotes.

Submissions (4):

Ambry Genetics
Classification: Uncertain significance for Hereditary cancer-predisposing syndrome. Last evaluated: 2025-07-19. Review status: criteria provided, single submitter. Criteria: Ambry Variant Classification Scheme 2023. Collection method: clinical testing. Allele origin: germline.
Comment: The p.R2790S variant (also known as c.8370A>C), located in coding exon 56 of the ATM gene, results from an A to C substitution at nucleotide position 8370. The arginine at codon 2790 is replaced by serine, an amino acid with dissimilar properties. This amino acid position is highly conserved in available vertebrate species. In addition, the in silico prediction for this alteration is inconclusive. Since supporting evidence is limited at this time, the clinical significance of this alteration remains unclear.

Labcorp Genetics (formerly Invitae), Labcorp
Classification: Uncertain significance for Ataxia-telangiectasia syndrome. Last evaluated: 2024-11-12. Review status: criteria provided, single submitter. Criteria: Invitae Variant Classification Sherloc (09022015). Collection method: clinical testing. Allele origin: germline.
Comment: This sequence change replaces arginine, which is basic and polar, with serine, which is neutral and polar, at codon 2790 of the ATM protein (p.Arg2790Ser). This variant is not present in population databases (gnomAD no frequency). This variant has not been reported in the literature in individuals affected with ATM-related conditions. ClinVar contains an entry for this variant (Variation ID: 822356). Invitae Evidence Modeling of protein sequence and biophysical properties (such as structural, functional, and spatial information, amino acid conservation, physicochemical variation, residue mobility, and thermodynamic stability) has been performed for this missense variant. However, the output from this modeling did not meet the statistical confidence thresholds required to predict the impact of this variant on ATM protein function. In summary, the available evidence is currently insufficient to determine the role of this variant in disease. Therefore, it has been classified as a Variant of Uncertain Significance.

Color Diagnostics, LLC DBA Color Health
Classification: Uncertain significance for Hereditary cancer-predisposing syndrome. Last evaluated: 2023-11-13. Review status: criteria provided, single submitter. Criteria: ACMG Guidelines, 2015. Collection method: clinical testing. Allele origin: germline.
Comment: This missense variant replaces arginine with serine at codon 2790 of the ATM protein. Computational prediction is inconclusive regarding the impact of this variant on protein structure and function (internally defined REVEL score threshold 0.5 < inconclusive < 0.7, PMID: 27666373). To our knowledge, functional studies have not been reported for this variant. This variant has not been reported in individuals affected with ATM-related disorders in the literature. This variant has not been identified in the general population by the Genome Aggregation Database (gnomAD). The available evidence is insufficient to determine the role of this variant in disease conclusively. Therefore, this variant is classified as a Variant of Uncertain Significance.

Women's Health and Genetics/Laboratory Corporation of America, LabCorp
Classification: Uncertain significance. Last evaluated: 2023-06-22. Review status: criteria provided, single submitter. Criteria: LabCorp Variant Classification Summary - May 2015. Collection method: clinical testing. Allele origin: germline.